The following is an entry in ClinVar:

ClinVar aggregate classification (germline): Pathogenic. Review status: criteria provided, multiple submitters, no conflicts (2 of 4 stars). 4 submissions from 4 submitters: Pathogenic (2). 2 of the submissions do not count toward it. Last evaluated 2024-01-25.

Conditions:
Fanconi anemia (FA). Also called: Fanconi's anemia. Identifiers: Orphanet 84, MedGen C0015625, MeSH D005199, MONDO:0019391.
Fanconi anemia complementation group D2. Also called: FANCD2-Related Fanconi Anemia; FANCONI PANCYTOPENIA, TYPE 4; FANCONI ANEMIA, COMPLEMENTATION GROUP D. Identifiers: Orphanet 84, MedGen C3160738, MONDO:0009214, OMIM 227646.

Submissions (4):

Labcorp Genetics (formerly Invitae), Labcorp
Classification: Pathogenic for Fanconi anemia. Last evaluated: 2024-01-25. Review status: criteria provided, single submitter. Criteria: Invitae Variant Classification Sherloc (09022015). Collection method: clinical testing. Allele origin: germline.
Comment: This sequence change creates a premature translational stop signal (p.Gln320*) in the FANCD2 gene. It is expected to result in an absent or disrupted protein product. Loss-of-function variants in FANCD2 are known to be pathogenic (PMID: 17436244). This variant is not present in population databases (gnomAD no frequency). This premature translational stop signal has been observed in individual(s) with Fanconi anemia (PMID: 11239453). ClinVar contains an entry for this variant (Variation ID: 12041). Algorithms developed to predict the effect of sequence changes on RNA splicing suggest that this variant may disrupt the consensus splice site. For these reasons, this variant has been classified as Pathogenic.

Revvity Omics, Revvity
Classification: Pathogenic for Fanconi anemia complementation group D2. Last evaluated: 2019-06-06. Review status: criteria provided, single submitter. Criteria: ACMG Guidelines, 2015. Collection method: clinical testing. Allele origin: germline.

Leiden Open Variation Database
Classification: Pathogenic for Fanconi anemia complementation group D2. Last evaluated: 2020-02-28. Review status: no assertion criteria provided. Collection method: curation. Allele origin: germline. Affected: yes. Not counted in ClinVar's aggregate classification.
Comment: Curator: Arleen D. Auerbach. Submitter to LOVD: Arleen D. Auerbach.

OMIM
Classification: Pathogenic for FANCONI ANEMIA, COMPLEMENTATION GROUP D2. Last evaluated: 2001-02-01. Review status: no assertion criteria provided. Collection method: literature only. Allele origin: germline. Not counted in ClinVar's aggregate classification.

Literature cited by the submitters: PubMed 17436244 (cited by Labcorp Genetics (formerly Invitae), Labcorp); PubMed 11239453 (cited by 3 submitters).

NM_001018115.3(FANCD2):c.958C>T (p.Gln320Ter)

Genes: FANCD2 (FA complementation group D2; plus strand), LOC107303338 (3p25 FANCD2 Alu-mediated recombination region; plus strand). Cytogenetic location: 3p25.3.
Variant type: single nucleotide variant.
Coding change: c.958C>T on transcript NM_001018115.3 (MANE Select); coding-DNA position 958, C replaced by T.
Protein change: p.Gln320Ter; replaces glutamine 320 with a stop codon.
Molecular consequence: nonsense.
Genome position (GRCh38, 1-based): chr3:10,043,119, C>T. VCF-style: chr3-10043119-C-T. GRCh37 (hg19) VCF-style: chr3-10084803-C-T.
Other names: c.958C>T, p.Gln320Ter (NM_001319984.2, NM_001374253.1, NM_001374254.1 and 1 more transcripts); short protein forms Q320*.
Identifiers: ClinVar variation 12041 (VCV000012041.9), dbSNP rs121917788, ClinGen allele CA256201.